The following is an entry in ClinVar:

ClinVar aggregate classification (germline): Uncertain significance (1 of 4 stars; one submission).

Conditions:
Pitt-Hopkins-like syndrome 2 (PTHSL2). Identifiers: Orphanet 221150, Orphanet 600663, MedGen C3280479, MONDO:0013690, OMIM 614325.

Submission:

Labcorp Genetics (formerly Invitae), Labcorp
Classification: Uncertain significance for Pitt-Hopkins-like syndrome 2. Last evaluated: 2022-11-08. Review status: criteria provided, single submitter. Criteria: Invitae Variant Classification Sherloc (09022015). Collection method: clinical testing. Allele origin: germline.
Comment: This sequence change replaces leucine, which is neutral and non-polar, with proline, which is neutral and non-polar, at codon 448 of the NRXN1 protein (p.Leu448Pro). This variant is not present in population databases (gnomAD no frequency). This variant has not been reported in the literature in individuals affected with NRXN1-related conditions. Algorithms developed to predict the effect of missense changes on protein structure and function (SIFT, PolyPhen-2, Align-GVGD) all suggest that this variant is likely to be disruptive. In summary, the available evidence is currently insufficient to determine the role of this variant in disease. Therefore, it has been classified as a Variant of Uncertain Significance.

NM_001330078.2(NRXN1):c.1223T>C (p.Leu408Pro)

Gene: NRXN1 (neurexin 1; minus strand). Cytogenetic location: 2p16.3.
Variant type: single nucleotide variant.
Coding change: c.1223T>C on transcript NM_001330078.2 (MANE Select); coding-DNA position 1223, T replaced by C.
Protein change: p.Leu408Pro; replaces leucine 408 with proline.
Molecular consequence: missense variant.
Genome position (GRCh38, 1-based): chr2:50,620,119, A>G on the plus strand (T>C on the coding strand, the complement: NRXN1 is on the minus strand). VCF-style: chr2-50620119-A-G. GRCh37 (hg19) VCF-style: chr2-50847257-A-G.
Other names: c.1343T>C, p.Leu448Pro (NM_001135659.3); c.1199T>C, p.Leu400Pro (NM_001330077.2, NM_001330082.2, NM_001330095.2); c.1184T>C, p.Leu395Pro (NM_001330083.2, NM_001330084.2); c.1223T>C, p.Leu408Pro (NM_001330085.2, NM_001330086.2, NM_004801.6); c.1139T>C, p.Leu380Pro (NM_001330087.2, NM_001330096.2); c.1169T>C, p.Leu390Pro (NM_001330088.2); c.1220T>C, p.Leu407Pro (NM_001330093.2); c.1211T>C, p.Leu404Pro (NM_001330094.2); short protein forms L400P, L408P, L390P, L407P, L448P, L380P, L395P, L404P.
Identifiers: ClinVar variation 2812439 (VCV002812439.3), dbSNP rs2466813949, ClinGen allele CA346821790.